The following is an entry in ClinVar:

NM_001374736.1(DST):c.14709T>A (p.Ile4903=)

Gene: DST (dystonin; minus strand). Cytogenetic location: 6p12.1.
Variant type: single nucleotide variant.
Coding change: c.14709T>A on transcript NM_001374736.1 (MANE Select); coding-DNA position 14709, T replaced by A.
Protein change: p.Ile4903=; no amino-acid change (isoleucine 4903 retained).
Molecular consequence: synonymous variant.
Genome position (GRCh38, 1-based): chr6:56,555,772, A>T on the plus strand (T>A on the coding strand, the complement: DST is on the minus strand). VCF-style: chr6-56555772-A-T. GRCh37 (hg19) VCF-style: chr6-56420570-A-T.
Other names: c.8352T>A, p.Ile2784= (NM_001144769.5); c.7938T>A, p.Ile2646= (NM_001144770.2); c.14709T>A, p.Ile4903= (NM_001374722.1); c.14076T>A, p.Ile4692= (NM_001374729.1); c.7818T>A, p.Ile2606= (NM_001374730.1, NM_001386100.1, NM_183380.4); c.14736T>A, p.Ile4912= (NM_001374734.1); c.6840T>A, p.Ile2280= (NM_015548.5).
Identifiers: ClinVar variation 1093781 (VCV001093781.16), dbSNP rs199986238, ClinGen allele CA3867941.

ClinVar aggregate classification (germline): Likely benign. Review status: criteria provided, multiple submitters, no conflicts (2 of 4 stars). 2 submissions from 2 submitters: Likely benign (2). Last evaluated 2025-04-27.

Conditions:
Hereditary sensory and autonomic neuropathy type 6. Also called: Neuropathy, hereditary sensory and autonomic, type VI; HSAN VI. Identifiers: Orphanet 314381, MedGen C3539003, MONDO:0013839, OMIM 614653.
Epidermolysis bullosa simplex 3, localized or generalized intermediate, with BP230 deficiency (EBS3). Also called: Epidermolysis bullosa simplex due to BP230 deficiency; Epidermolysis bullosa simplex, autosomal recessive 2. Identifiers: Orphanet 412181, MedGen C3809470, MONDO:0014180, OMIM 615425.

Allele frequency attached by ClinVar (database versions not stated): gnomAD 0.00008 and 0.00009; gnomAD exomes 0.00008 and 0.00012; ExAC 0.00012; TOPMed 0.00013; 1000 Genomes Project 30x 0.00016; 1000 Genomes Project 0.00020.
gnomAD v4.1: 128 of 1,584,208 alleles (0.0081%); highest among the groups gnomAD compares: Middle Eastern, 0.27%; no homozygotes.

Submissions (2):

Labcorp Genetics (formerly Invitae), Labcorp
Classification: Likely benign for Epidermolysis bullosa simplex 3, localized or generalized intermediate, with BP230 deficiency; Hereditary sensory and autonomic neuropathy type 6. Last evaluated: 2025-04-27. Review status: criteria provided, single submitter. Criteria: Invitae Variant Classification Sherloc (09022015). Collection method: clinical testing. Allele origin: germline.

CeGaT Center for Human Genetics Tuebingen
Classification: Likely benign. Last evaluated: 2025-04-01. Review status: criteria provided, single submitter. Criteria: CeGaT Center For Human Genetics Tuebingen Variant Classification Criteria Version 2. Collection method: clinical testing. Allele origin: germline. Affected: yes. Observed: 1 variant allele.
Comment: DST: BP4, BP7